The following is an entry in ClinVar:

ClinVar aggregate classification (germline): Uncertain significance (1 of 4 stars; one submission).

Conditions:
Inborn genetic diseases. Identifiers: MedGen C0950123, MeSH D030342.

Submission:

Ambry Genetics
Classification: Uncertain significance for Inborn genetic diseases. Last evaluated: 2024-05-05. Review status: criteria provided, single submitter. Criteria: Ambry Variant Classification Scheme 2023. Collection method: clinical testing. Allele origin: germline.
Comment: The p.G37C variant (also known as c.109G>T), located in coding exon 1 of the MIB1 gene, results from a G to T substitution at nucleotide position 109. The glycine at codon 37 is replaced by cysteine, an amino acid with highly dissimilar properties. This amino acid position is conserved. In addition, this alteration is predicted to be deleterious by in silico analysis. Based on the available evidence, the clinical significance of this variant remains unclear.

NM_020774.4(MIB1):c.109G>T (p.Gly37Cys)

Gene: MIB1 (MIB E3 ubiquitin protein ligase 1; plus strand). Cytogenetic location: 18q11.2.
Variant type: single nucleotide variant.
Coding change: c.109G>T on transcript NM_020774.4 (MANE Select); coding-DNA position 109, G replaced by T.
Protein change: p.Gly37Cys; replaces glycine 37 with cysteine.
Molecular consequence: missense variant.
Genome position (GRCh38, 1-based): chr18:21,741,692, G>T. VCF-style: chr18-21741692-G-T. GRCh37 (hg19) VCF-style: chr18-19321653-G-T.
Other names: short protein forms G37C.
Identifiers: ClinVar variation 3294702 (VCV003294702.1).